The following is an entry in ClinVar:

NM_004168.4(SDHA):c.1651A>G (p.Thr551Ala)

Gene: SDHA (succinate dehydrogenase complex flavoprotein subunit A; plus strand). Cytogenetic location: 5p15.33.
Variant type: single nucleotide variant.
Coding change: c.1651A>G on transcript NM_004168.4 (MANE Select); coding-DNA position 1651, A replaced by G.
Protein change: p.Thr551Ala; replaces threonine 551 with alanine.
Molecular consequence: missense variant. On other transcripts: intron variant (1).
Genome position (GRCh38, 1-based): chr5:251,091, A>G. VCF-style: chr5-251091-A-G. GRCh37 (hg19) VCF-style: chr5-251206-A-G.
Other names: c.1507A>G, p.Thr503Ala (NM_001294332.2); c.1552-3302A>G (NM_001330758.2); c.1651A>G (NM_004168.2); short protein forms T551A, T503A.
Identifiers: ClinVar variation 855298 (VCV000855298.11), dbSNP rs1200051286, ClinGen allele CA358998910.

ClinVar aggregate classification (germline): Uncertain significance. Review status: criteria provided, multiple submitters, no conflicts (2 of 4 stars). 2 submissions from 2 submitters: Uncertain significance (2). Last evaluated 2026-07-06.

Conditions:
Hereditary cancer-predisposing syndrome. Also called: Tumor predisposition; Hereditary neoplastic syndrome; Neoplastic Syndromes, Hereditary; Hereditary Cancer Syndrome. Identifiers: Orphanet 140162, MedGen C0027672, MeSH D009386, MONDO:0015356.
Mitochondrial complex II deficiency, nuclear type 1. Also called: SUCCINATE CoQ REDUCTASE DEFICIENCY. Identifiers: Orphanet 3208, MedGen C5700310, MONDO:0100294, OMIM 252011.
Pheochromocytoma/paraganglioma syndrome 5. Also called: Paragangliomas 5; SDHA-Related Hereditary Paraganglioma-Pheochromocytoma Syndrome. Identifiers: Orphanet 29072, MedGen C3279992, MONDO:0013602, OMIM 614165.

Allele frequency attached by ClinVar (database versions not stated): gnomAD exomes below 0.00001.

Submissions (2):

Ambry Genetics
Classification: Uncertain significance for Hereditary cancer-predisposing syndrome. Last evaluated: 2026-07-06. Review status: criteria provided, single submitter. Criteria: Ambry Variant Classification Scheme 2023. Collection method: clinical testing. Allele origin: germline.
Comment: The p.T551A variant (also known as c.1651A>G), located in coding exon 12 of the SDHA gene, results from an A to G substitution at nucleotide position 1651. The threonine at codon 551 is replaced by alanine, an amino acid with similar properties. This amino acid position is conserved. In addition, the in silico prediction for this alteration is inconclusive. Based on the available evidence, the clinical significance of this variant remains unclear.

Labcorp Genetics (formerly Invitae), Labcorp
Classification: Uncertain significance for Pheochromocytoma/paraganglioma syndrome 5; Mitochondrial complex II deficiency, nuclear type 1. Last evaluated: 2024-06-23. Review status: criteria provided, single submitter. Criteria: Invitae Variant Classification Sherloc (09022015). Collection method: clinical testing. Allele origin: germline.
Comment: This sequence change replaces threonine, which is neutral and polar, with alanine, which is neutral and non-polar, at codon 551 of the SDHA protein (p.Thr551Ala). This variant is present in population databases (no rsID available, gnomAD 0.0009%). This variant has not been reported in the literature in individuals affected with SDHA-related conditions. ClinVar contains an entry for this variant (Variation ID: 855298). Advanced modeling of protein sequence and biophysical properties (such as structural, functional, and spatial information, amino acid conservation, physicochemical variation, residue mobility, and thermodynamic stability) performed at Invitae indicates that this missense variant is not expected to disrupt SDHA protein function with a negative predictive value of 95%. In summary, the available evidence is currently insufficient to determine the role of this variant in disease. Therefore, it has been classified as a Variant of Uncertain Significance.